The following is an entry in ClinVar:

ClinVar aggregate classification (germline): Uncertain significance (1 of 4 stars; one submission).

Conditions:
Long QT syndrome (LQTS). Identifiers: MedGen C0023976, MeSH D008133, MONDO:0002442. Disease mechanism: loss of function. Inheritance: Various modes of inheritance.

Allele frequency attached by ClinVar (database versions not stated): gnomAD exomes below 0.00001; TOPMed below 0.00001.
gnomAD v4.1: 2 of 1,611,148 alleles (0.00012%); highest among the groups gnomAD compares: Non-Finnish European, 0.000085%; no homozygotes.

Submission:

Labcorp Genetics (formerly Invitae), Labcorp
Classification: Uncertain significance for Long QT syndrome. Last evaluated: 2020-03-04. Review status: criteria provided, single submitter. Criteria: Invitae Variant Classification Sherloc (09022015). Collection method: clinical testing. Allele origin: germline.
Comment: This variant has not been reported in the literature in individuals with AKAP9-related conditions. In summary, the available evidence is currently insufficient to determine the role of this variant in disease. Therefore, it has been classified as a Variant of Uncertain Significance. Algorithms developed to predict the effect of missense changes on protein structure and function (SIFT, PolyPhen-2, Align-GVGD) all suggest that this variant is likely to be tolerated, but these predictions have not been confirmed by published functional studies and their clinical significance is uncertain. This variant is not present in population databases (ExAC no frequency). This sequence change replaces glutamine with lysine at codon 2876 of the AKAP9 protein (p.Gln2876Lys). The glutamine residue is moderately conserved and there is a small physicochemical difference between glutamine and lysine.

NM_005751.5(AKAP9):c.8626C>A (p.Gln2876Lys)

Gene: AKAP9 (A-kinase anchoring protein 9; plus strand). Cytogenetic location: 7q21.2.
Variant type: single nucleotide variant.
Coding change: c.8626C>A on transcript NM_005751.5 (MANE Select); coding-DNA position 8626, C replaced by A.
Protein change: p.Gln2876Lys; replaces glutamine 2876 with lysine.
Molecular consequence: missense variant.
Genome position (GRCh38, 1-based): chr7:92,083,635, C>A. VCF-style: chr7-92083635-C-A. GRCh37 (hg19) VCF-style: chr7-91712949-C-A.
Other names: c.3271C>A, p.Gln1091Lys (NM_001379277.1); c.8602C>A, p.Gln2868Lys (NM_147185.3); short protein forms Q1091K, Q2868K, Q2876K.
Identifiers: ClinVar variation 1007758 (VCV001007758.8), dbSNP rs1196999529, ClinGen allele CA368140030.